The following is an entry in ClinVar:

ClinVar aggregate classification (germline): Pathogenic (1 of 4 stars; one submission).

Conditions:
Adams-Oliver syndrome 5 (AOS5). Identifiers: Orphanet 974, MedGen C4014970, MONDO:0014459, OMIM 616028.

Submission:

Labcorp Genetics (formerly Invitae), Labcorp
Classification: Pathogenic for Adams-Oliver syndrome 5. Last evaluated: 2018-02-07. Review status: criteria provided, single submitter. Criteria: Invitae Variant Classification Sherloc (09022015). Collection method: clinical testing. Allele origin: germline.
Comment: For these reasons, this variant has been classified as Pathogenic. Loss-of-function variants in NOTCH1 are known to be pathogenic (PMID: 16025100, 21457232, 25132448, 25963545). This variant has not been reported in the literature in individuals with NOTCH1-related disease. This variant is not present in population databases (ExAC no frequency). This sequence change creates a premature translational stop signal (p.Thr466Profs*165) in the NOTCH1 gene. It is expected to result in an absent or disrupted protein product.

Literature cited by the submitters: PubMed 16025100; PubMed 21457232; PubMed 25132448; PubMed 25963545.

NM_017617.5(NOTCH1):c.1396del (p.Thr466fs)

Gene: NOTCH1 (notch receptor 1; minus strand). Cytogenetic location: 9q34.3.
Variant type: Deletion.
Coding change: c.1396del on transcript NM_017617.5 (MANE Select); coding-DNA position 1396, one base deleted (A; older notation c.1396delA).
Protein change: p.Thr466fs; shifts the reading frame from threonine 466.
Molecular consequence: frameshift variant.
Genome position (GRCh38, 1-based): chr9:136,517,797, T deleted on the plus strand (A on the coding strand, the reverse complement: NOTCH1 is on the minus strand). VCF-style (leftmost placement, unchanged base first): chr9-136517796-GT-G. GRCh37 (hg19) VCF-style: chr9-139412248-GT-G.
Other names: c.1396del, p.Thr466fs (LRG_1122t1); short protein forms T466fs.
Identifiers: ClinVar variation 572044 (VCV000572044.6), dbSNP rs1564199476, ClinGen allele CA891843341.